The following is an entry in ClinVar:

NM_014585.6(SLC40A1):c.1434G>C (p.Gln478His)

Gene: SLC40A1 (solute carrier family 40 member 1; minus strand). Cytogenetic location: 2q32.2.
Variant type: single nucleotide variant.
Coding change: c.1434G>C on transcript NM_014585.6 (MANE Select); coding-DNA position 1434, G replaced by C.
Protein change: p.Gln478His; replaces glutamine 478 with histidine.
Molecular consequence: missense variant.
Genome position (GRCh38, 1-based): chr2:189,562,160, C>G on the plus strand (G>C on the coding strand, the complement: SLC40A1 is on the minus strand). VCF-style: chr2-189562160-C-G. GRCh37 (hg19) VCF-style: chr2-190426886-C-G.
Other names: short protein forms Q478H.
Identifiers: ClinVar variation 4808862 (VCV004808862.1).

ClinVar aggregate classification (germline): Uncertain significance (1 of 4 stars; one submission).

Conditions:
Hemochromatosis type 4 (HFE4). Also called: Ferroportin disease; HEMOCHROMATOSIS DUE TO DEFECT IN FERROPORTIN; HEMOCHROMATOSIS, AUTOSOMAL DOMINANT. Identifiers: Orphanet 139491, Orphanet 647834, Orphanet 648562, MedGen C1853733, MONDO:0011631, OMIM 606069.

Submission:

Labcorp Genetics (formerly Invitae), Labcorp
Classification: Uncertain significance for Hemochromatosis type 4. Last evaluated: 2026-01-07. Review status: criteria provided, single submitter. Criteria: Invitae Variant Classification Sherloc (09022015). Collection method: clinical testing. Allele origin: germline.
Comment: This sequence change replaces glutamine, which is neutral and polar, with histidine, which is basic and polar, at codon 478 of the SLC40A1 protein (p.Gln478His). This variant is not present in population databases (gnomAD no frequency). This variant has not been reported in the literature in individuals affected with SLC40A1-related conditions. Invitae Evidence Modeling of protein sequence and biophysical properties (such as structural, functional, and spatial information, amino acid conservation, physicochemical variation, residue mobility, and thermodynamic stability) indicates that this missense variant is expected to disrupt SLC40A1 protein function with a positive predictive value of 95%. In summary, the available evidence is currently insufficient to determine the role of this variant in disease. Therefore, it has been classified as a Variant of Uncertain Significance.